The following is an entry in ClinVar:

ClinVar aggregate classification (germline): Uncertain significance (1 of 4 stars; one submission).

Submission:

Labcorp Genetics (formerly Invitae), Labcorp
Classification: Uncertain significance. Last evaluated: 2022-06-08. Review status: criteria provided, single submitter. Criteria: Invitae Variant Classification Sherloc (09022015). Collection method: clinical testing. Allele origin: germline.
Comment: In summary, the available evidence is currently insufficient to determine the role of this variant in disease. Therefore, it has been classified as a Variant of Uncertain Significance. Algorithms developed to predict the effect of missense changes on protein structure and function are either unavailable or do not agree on the potential impact of this missense change (SIFT: "Tolerated"; PolyPhen-2: "Possibly Damaging"; Align-GVGD: "Class C0"). This variant has not been reported in the literature in individuals affected with RTN4IP1-related conditions. This variant is not present in population databases (gnomAD no frequency). This sequence change replaces arginine, which is basic and polar, with glycine, which is neutral and non-polar, at codon 11 of the RTN4IP1 protein (p.Arg11Gly).

NM_032730.5(RTN4IP1):c.31A>G (p.Arg11Gly)

Gene: RTN4IP1 (reticulon 4 interacting protein 1; minus strand). Cytogenetic location: 6q21.
Variant type: single nucleotide variant.
Coding change: c.31A>G on transcript NM_032730.5 (MANE Select); coding-DNA position 31, A replaced by G.
Protein change: p.Arg11Gly; replaces arginine 11 with glycine.
Molecular consequence: missense variant. On other transcripts: intron variant (1).
Genome position (GRCh38, 1-based): chr6:106,628,991, T>C on the plus strand (A>G on the coding strand, the complement: RTN4IP1 is on the minus strand). VCF-style: chr6-106628991-T-C. GRCh37 (hg19) VCF-style: chr6-107076866-T-C.
Other names: c.-27+1336A>G (NM_001318746.1); short protein forms R11G.
Identifiers: ClinVar variation 2003240 (VCV002003240.4), dbSNP rs1031608505, ClinGen allele CA145001337.